The following is an entry in ClinVar:

ClinVar aggregate classification (germline): Uncertain significance. Review status: criteria provided, multiple submitters, no conflicts (2 of 4 stars). 2 submissions from 2 submitters: Uncertain significance (2). Last evaluated 2025-11-30.

Conditions:
Hereditary cancer-predisposing syndrome. Also called: Tumor predisposition; Hereditary neoplastic syndrome; Neoplastic Syndromes, Hereditary; Hereditary Cancer Syndrome. Identifiers: Orphanet 140162, MedGen C0027672, MeSH D009386, MONDO:0015356.

Submissions (2):

Labcorp Genetics (formerly Invitae), Labcorp
Classification: Uncertain significance. Last evaluated: 2025-11-30. Review status: criteria provided, single submitter. Criteria: Invitae Variant Classification Sherloc (09022015). Collection method: clinical testing. Allele origin: germline.
Comment: This sequence change replaces aspartic acid, which is acidic and polar, with alanine, which is neutral and non-polar, at codon 365 of the POLE protein (p.Asp365Ala). This variant is not present in population databases (gnomAD no frequency). This variant has not been reported in the literature in individuals affected with POLE-related conditions. ClinVar contains an entry for this variant (Variation ID: 951101). Invitae Evidence Modeling of protein sequence and biophysical properties (such as structural, functional, and spatial information, amino acid conservation, physicochemical variation, residue mobility, and thermodynamic stability) indicates that this missense variant is expected to disrupt POLE protein function with a positive predictive value of 80%. In summary, the available evidence is currently insufficient to determine the role of this variant in disease. Therefore, it has been classified as a Variant of Uncertain Significance.

Ambry Genetics
Classification: Uncertain significance for Hereditary cancer-predisposing syndrome. Last evaluated: 2024-11-06. Review status: criteria provided, single submitter. Criteria: Ambry Variant Classification Scheme 2023. Collection method: clinical testing. Allele origin: germline.
Comment: The p.D365A variant (also known as c.1094A>C), located in coding exon 11 of the POLE gene, results from an A to C substitution at nucleotide position 1094. The aspartic acid at codon 365 is replaced by alanine, an amino acid with dissimilar properties. This amino acid position is highly conserved in available vertebrate species. In addition, this alteration is predicted to be deleterious by in silico analysis. Based on the available evidence, the clinical significance of this variant remains unclear.

NM_006231.4(POLE):c.1094A>C (p.Asp365Ala)

Gene: POLE (DNA polymerase epsilon, catalytic subunit; minus strand). Cytogenetic location: 12q24.33.
Variant type: single nucleotide variant.
Coding change: c.1094A>C on transcript NM_006231.4 (MANE Select); coding-DNA position 1094, A replaced by C.
Protein change: p.Asp365Ala; replaces aspartic acid 365 with alanine.
Molecular consequence: missense variant.
Genome position (GRCh38, 1-based): chr12:132,675,747, T>G on the plus strand (A>C on the coding strand, the complement: POLE is on the minus strand). VCF-style: chr12-132675747-T-G. GRCh37 (hg19) VCF-style: chr12-133252333-T-G.
Other names: short protein forms D365A.
Identifiers: ClinVar variation 951101 (VCV000951101.13), dbSNP rs2043034230, ClinGen allele CA387361374.